The following is an entry in ClinVar:

ClinVar aggregate classification (germline): Uncertain significance (1 of 4 stars; one submission).

Conditions:
Cardiovascular phenotype. Identifiers: MedGen CN230736.
Hereditary cancer-predisposing syndrome. Also called: Neoplastic Syndromes, Hereditary; Tumor predisposition; Hereditary Cancer Syndrome; Hereditary neoplastic syndrome. Identifiers: Orphanet 140162, MedGen C0027672, MeSH D009386, MONDO:0015356.

Submission:

Ambry Genetics
Classification: Uncertain significance for Cardiovascular phenotype; Hereditary cancer-predisposing syndrome. Last evaluated: 2026-04-29. Review status: criteria provided, single submitter. Criteria: Ambry Variant Classification Scheme 2023. Collection method: clinical testing. Allele origin: germline.
Comment: The p.C1857R variant (also known as c.5569T>C), located in coding exon 38 of the NF1 gene, results from a T to C substitution at nucleotide position 5569. The cysteine at codon 1857 is replaced by arginine, an amino acid with highly dissimilar properties. This amino acid position is highly conserved in available vertebrate species. In addition, this alteration is predicted to be deleterious by in silico analysis. Based on the available evidence, the clinical significance of this variant remains unclear.

NM_001042492.3(NF1):c.5632T>C (p.Cys1878Arg)

Gene: NF1 (neurofibromin 1; plus strand). Cytogenetic location: 17q11.2.
Variant type: single nucleotide variant.
Coding change: c.5632T>C on transcript NM_001042492.3 (MANE Select); coding-DNA position 5632, T replaced by C.
Protein change: p.Cys1878Arg; replaces cysteine 1878 with arginine.
Molecular consequence: missense variant.
Genome position (GRCh38, 1-based): chr17:31,330,318, T>C. VCF-style: chr17-31330318-T-C. GRCh37 (hg19) VCF-style: chr17-29657336-T-C.
Other names: c.5569T>C, p.Cys1857Arg (NM_000267.4); short protein forms C1857R, C1878R.
Identifiers: ClinVar variation 3404576 (VCV003404576.2).